The following is an entry in ClinVar:

NM_144643.4(SCLT1):c.290+2732A>G

Gene: SCLT1 (sodium channel and clathrin linker 1; minus strand). Cytogenetic location: 4q28.2.
Variant type: single nucleotide variant.
Coding change: c.290+2732A>G on transcript NM_144643.4 (MANE Select); 2732 bases into the intron after coding-DNA position 290, A replaced by G.
Molecular consequence: intron variant.
Genome position (GRCh38, 1-based): chr4:129,036,309, T>C on the plus strand (A>G on the coding strand, the complement: SCLT1 is on the minus strand). VCF-style: chr4-129036309-T-C. GRCh37 (hg19) VCF-style: chr4-129957464-T-C.
Other names: c.290+2732A>G (NM_001410807.1).
Identifiers: ClinVar variation 4526650 (VCV004526650.1).

ClinVar aggregate classification (germline): Uncertain significance (1 of 4 stars; one submission).

Conditions:
Retinal dystrophy. Also called: Inherited retinal dystrophy. Identifiers: Orphanet 71862, MedGen C0854723, MeSH D058499, MONDO:0019118, HP:0000556.

Submission:

Ocular Genomics Institute, Massachusetts Eye and Ear
Classification: Uncertain significance for Retinal dystrophy. Last evaluated: 2025-06-06. Review status: criteria provided, single submitter. Criteria: ACMG Guidelines, 2015. Collection method: research, in vitro. Allele origin: germline, not applicable. Affected: yes. Observed: 1 variant allele. Functional consequence: splicing variant.
Comment: The NM_144643.4 c.290+2732A>G is a deep-intronic variant in intron 5 of SCLT1. Functional studies performed by our group confirmed the partial inclusion of a 45-bp cryptic exon containing a stop codon and likely leading to an absent or disrupted protein product (PS3). This variant is absent in GnomADv4 (PM2).